The following is an entry in ClinVar:

NM_003801.4(GPAA1):c.1452-11_1452-10delinsGA

Gene: GPAA1 (glycosylphosphatidylinositol anchor attachment 1; plus strand). Cytogenetic location: 8q24.3.
Variant type: Indel.
Coding change: c.1452-11_1452-10delinsGA on transcript NM_003801.4 (MANE Select); 11 bases into the intron before coding-DNA position 1452 through 10 bases into the intron before coding-DNA position 1452, TT replaced by GA.
Molecular consequence: intron variant.
Genome position (GRCh38, 1-based): chr8:144,085,562-144,085,563, TT replaced by GA. VCF-style: chr8-144085562-TT-GA. GRCh37 (hg19) VCF-style: chr8-145140465-TT-GA.
Identifiers: ClinVar variation 1401163 (VCV001401163.3), dbSNP rs2129948102, ClinGen allele CA2573142985.

ClinVar aggregate classification (germline): Uncertain significance (1 of 4 stars; one submission).

Submission:

Labcorp Genetics (formerly Invitae), Labcorp
Classification: Uncertain significance. Last evaluated: 2022-08-20. Review status: criteria provided, single submitter. Criteria: Invitae Variant Classification Sherloc (09022015). Collection method: clinical testing. Allele origin: germline.
Comment: This sequence change falls in intron 10 of the GPAA1 gene. It does not directly change the encoded amino acid sequence of the GPAA1 protein. Information on the frequency of this variant in the gnomAD database is not available, as this variant may be reported differently in the database. This variant has not been reported in the literature in individuals affected with GPAA1-related conditions. ClinVar contains an entry for this variant (Variation ID: 1401163). Algorithms developed to predict the effect of sequence changes on RNA splicing suggest that this variant may disrupt the consensus splice site. In summary, the available evidence is currently insufficient to determine the role of this variant in disease. Therefore, it has been classified as a Variant of Uncertain Significance.